The following is an entry in ClinVar:

NM_000059.4(BRCA2):c.2008T>G (p.Cys670Gly)

Gene: BRCA2 (BRCA2 DNA repair associated; plus strand). Cytogenetic location: 13q13.1.
Variant type: single nucleotide variant.
Coding change: c.2008T>G on transcript NM_000059.4 (MANE Select); coding-DNA position 2008, T replaced by G.
Protein change: p.Cys670Gly; replaces cysteine 670 with glycine.
Molecular consequence: missense variant.
Genome position (GRCh38, 1-based): chr13:32,336,363, T>G. VCF-style: chr13-32336363-T-G. GRCh37 (hg19) VCF-style: chr13-32910500-T-G.
Other names: short protein forms C670G.
Identifiers: ClinVar variation 1005180 (VCV001005180.10), dbSNP rs1566225927, ClinGen allele CA387768744.
Genomic context (GRCh38, chr13:32,336,363, plus strand): 5'-AATGATTCTGAAGAACCAACTTTGTCCTTAACTAGCTCTTTTGGGACAATTCTGAGGAAA[T>G]GTTCTAGAAATGAAACATGTTCTAATAATACAGTAATCTCTCAGGATCTTGATTATAAAG-3'
Protein context (NP_000050.3, residues 660-680): TSSFGTILRK[Cys670Gly]SRNETCSNNT

ClinVar aggregate classification (germline): Conflicting classifications of pathogenicity. Review status: criteria provided, conflicting classifications (1 of 4 stars). 2 submissions from 2 submitters: Uncertain significance (1); Likely benign (1). Last evaluated 2023-03-23.

Conditions:
Hereditary cancer-predisposing syndrome. Also called: Hereditary neoplastic syndrome; Neoplastic Syndromes, Hereditary; Tumor predisposition; Hereditary Cancer Syndrome. Identifiers: Orphanet 140162, MedGen C0027672, MeSH D009386, MONDO:0015356.
Hereditary breast ovarian cancer syndrome. Also called: Hereditary breast and/or ovarian cancer syndrome; Hereditary breast and ovarian cancer syndrome; Hereditary breast and ovarian cancer syndrome (HBOC); Breast and ovarian cancer; BRCA1- and BRCA2-Associated Hereditary Breast and Ovarian Cancer; Hereditary breast and ovarian cancer. Identifiers: Orphanet 145, MedGen C0677776, MeSH D061325, MONDO:0003582. Disease mechanism: loss of function.

Submissions (2):

University of Washington Department of Laboratory Medicine, University of Washington
Classification: Likely benign for Hereditary cancer-predisposing syndrome. Last evaluated: 2023-03-23. Review status: criteria provided, single submitter. Criteria: Dines et al. (Genet Med. 2020). Collection method: curation. Allele origin: germline.
Comment: Missense variant in a coldspot region where missense variants are very unlikely to be pathogenic (PMID:31911673).

BRCA2 exon 11 coldspot. Reclassification based on statistical prior probability.

Labcorp Genetics (formerly Invitae), Labcorp
Classification: Uncertain significance for Hereditary breast ovarian cancer syndrome. Last evaluated: 2020-03-04. Review status: criteria provided, single submitter. Criteria: Invitae Variant Classification Sherloc (09022015). Collection method: clinical testing. Allele origin: germline.
Comment: In summary, the available evidence is currently insufficient to determine the role of this variant in disease. Therefore, it has been classified as a Variant of Uncertain Significance. Algorithms developed to predict the effect of missense changes on protein structure and function (SIFT, PolyPhen-2, Align-GVGD) all suggest that this variant is likely to be tolerated, but these predictions have not been confirmed by published functional studies and their clinical significance is uncertain. This variant has not been reported in the literature in individuals with BRCA2-related conditions. This variant is not present in population databases (ExAC no frequency). This sequence change replaces cysteine with glycine at codon 670 of the BRCA2 protein (p.Cys670Gly). The cysteine residue is weakly conserved and there is a large physicochemical difference between cysteine and glycine.